The following is an entry in ClinVar:

ClinVar aggregate classification (germline): Conflicting classifications of pathogenicity. Review status: criteria provided, conflicting classifications (1 of 4 stars). 24 submissions from 24 submitters: Uncertain significance (4); Benign (2); Likely benign (15). 3 of the submissions do not count toward it. Last evaluated 2026-08-01.

Conditions:
PKP2-related disorder. Also called: PKP2-related condition.
Cardiovascular phenotype. Identifiers: MedGen CN230736.
Arrhythmogenic right ventricular cardiomyopathy (ARVD). Also called: Arrhythmogenic Right Ventricular Cardiomyopathy (ARVC); Cardiomyopathy, ARVC; Arrhythmogenic right ventricular dysplasia; Arrhythmogenic cardiomyopathy. Identifiers: Orphanet 247, MedGen C0349788, MeSH D019571, MONDO:0016587. Disease mechanism: loss of function. Inheritance: Various modes of inheritance.
Cardiomyopathy (CMYO). Also called: Cardiomyopathies. Identifiers: Orphanet 167848, MedGen C0878544, MONDO:0004994, HP:0001638. Inheritance: Various modes of inheritance.
Arrhythmogenic right ventricular dysplasia 9 (ARVD9). Also called: Arrhythmogenic Right Ventricular Dysplasia/Cardiomyopathy 9; ARRHYTHMOGENIC RIGHT VENTRICULAR DYSPLASIA, FAMILIAL, 9. Identifiers: MedGen C1836906, MONDO:0012180, OMIM 609040.
Hypertrophic cardiomyopathy. Also called: HYPERTROPHIC MYOCARDIOPATHY. Identifiers: Orphanet 217569, MedGen C0007194, MeSH D002312, MONDO:0005045, HP:0001639.

Allele frequency attached by ClinVar (database versions not stated): 1000 Genomes Project 0.00020; gnomAD 0.00096 and 0.00098; ESP Exome Variant Server 0.00162; 1000 Genomes Project 30x 0.00016; TOPMed 0.00096; gnomAD exomes 0.00186 and 0.00117; ExAC 0.00122.
gnomAD v4.1: 2,881 of 1,613,992 alleles (0.18%); highest among the groups gnomAD compares: South Asian, 0.25%; 9 homozygotes.

Submissions 1 to 18 of 24:

CeGaT Center for Human Genetics Tuebingen
Classification: Likely benign. Last evaluated: 2026-08-01. Review status: criteria provided, single submitter. Criteria: CeGaT Center For Human Genetics Tuebingen Variant Classification Criteria Version 2. Collection method: clinical testing. Allele origin: germline. Affected: yes. Observed: 4 variant alleles.
Comment: PKP2: BP4, BS1

Labcorp Genetics (formerly Invitae), Labcorp
Classification: Likely benign for Arrhythmogenic right ventricular dysplasia 9. Last evaluated: 2026-02-03. Review status: criteria provided, single submitter. Criteria: Invitae Variant Classification Sherloc (09022015). Collection method: clinical testing. Allele origin: germline.

Blueprint Genetics
Classification: Likely benign. Last evaluated: 2024-11-05. Review status: criteria provided, single submitter. Criteria: ACMG Guidelines, 2015. Collection method: clinical testing. Allele origin: germline.

Mayo Clinic Laboratories, Mayo Clinic
Classification: Likely benign. Last evaluated: 2024-08-30. Review status: criteria provided, single submitter. Criteria: ACMG Guidelines, 2015. Collection method: clinical testing. Allele origin: germline. Observed: 5 variant alleles.
Comment: BS1, BS2_supporting, BP4

ARUP Laboratories, Molecular Genetics and Genomics, ARUP Laboratories
Classification: Likely benign for Arrhythmogenic right ventricular dysplasia 9. Last evaluated: 2024-02-15. Review status: criteria provided, single submitter. Criteria: ARUP Molecular Germline Variant Investigation Process 2024. Collection method: clinical testing. Allele origin: germline.

CHEO Genetics Diagnostic Laboratory, Children's Hospital of Eastern Ontario
Classification: Benign for Cardiomyopathy. Last evaluated: 2022-09-01. Review status: criteria provided, single submitter. Criteria: ACMG Guidelines, 2015. Collection method: clinical testing. Allele origin: germline. Study: Canadian Open Genetics Repository.

Women's Health and Genetics/Laboratory Corporation of America, LabCorp
Classification: Likely benign. Last evaluated: 2020-11-02. Review status: criteria provided, single submitter. Criteria: LabCorp Variant Classification Summary - May 2015. Collection method: clinical testing. Allele origin: germline.
Comment: Variant summary: PKP2 c.505A>G (p.Ser169Gly) results in a non-conservative amino acid change in the encoded protein sequence. Four of five in-silico tools predict a benign effect of the variant on protein function. The variant allele was found at a frequency of 0.0012 in 251282 control chromosomes, predominantly at a frequency of 0.0024 within the South Asian subpopulation in the gnomAD database. The observed variant frequency within South Asian control individuals in the gnomAD database is approximately 6 fold of the estimated maximal expected allele frequency for a pathogenic variant in PKP2 causing Arrhythmia phenotype (0.00043), strongly suggesting that the variant is a benign polymorphism found primarily in populations of South Asian origin. c.505A>G has been reported in the literature in individuals affected with Arrhythmia (LaGerche_2010, Nunn_2016), Suspected ARVC/D (Barahona-Dussault_2010), and Dilated Cardiomyopathy (Elliot_2010), but without strong evidence for pathogenicity. These reports do not provide unequivocal conclusions about association of the variant with Arrhythmia. The variant has also been found incidentally in several large cohorts in which exome sequencing was performed (Andreasen_2013, Dorschner_2013, Amendola_2015). To our knowledge, no experimental evidence demonstrating an impact on protein function has been reported. 12 other ClinVar submitters (evaluation after 2014) cite the variant as likely benign/ benign (n=9) or uncertain significance (n=3). Based on the evidence outlined above, the variant was classified as likely benign.

GeneDx
Classification: Likely benign. Last evaluated: 2020-09-11. Review status: criteria provided, single submitter. Criteria: GeneDx Variant Classification Process June 2021. Collection method: clinical testing. Allele origin: germline. Affected: yes.
Comment: This variant is associated with the following publications: (PMID: 31402444, 29802319, 25163546, 23861362, 25637381, 23299917, 24055113, 19863551, 20716751, 20525856, 26112193)

Mendelics
Classification: Benign for Arrhythmogenic right ventricular dysplasia 9. Last evaluated: 2019-05-28. Review status: criteria provided, single submitter. Criteria: Mendelics Assertion Criteria 2017. Collection method: clinical testing. Allele origin: unknown.

Center for Advanced Laboratory Medicine, UC San Diego Health, University of California San Diego
Classification: Likely benign for Hypertrophic cardiomyopathy. Last evaluated: 2018-11-14. Review status: criteria provided, single submitter. Criteria: ACMG Guidelines, 2015. Collection method: clinical testing. Allele origin: germline. Affected: yes. Observed: 1 variant allele.

Ambry Genetics
Classification: Likely benign for Cardiovascular phenotype. Last evaluated: 2018-10-22. Review status: criteria provided, single submitter. Criteria: Ambry Variant Classification Scheme 2023. Collection method: clinical testing. Allele origin: germline.

Color Diagnostics, LLC DBA Color Health
Classification: Likely benign for Cardiomyopathy. Last evaluated: 2018-03-13. Review status: criteria provided, single submitter. Criteria: ACMG Guidelines, 2015. Collection method: clinical testing. Allele origin: germline.

Institute for Genomic Medicine (IGM) Clinical Laboratory, Nationwide Children's Hospital
Classification: Likely benign. Last evaluated: 2017-08-25. Review status: criteria provided, single submitter. Criteria: ACMG Guidelines, 2015. Collection method: clinical testing. Allele origin: germline.
Comment: BS1, BP4; This alteration has an allele frequency that is greater than expected for the associated disease, and is predicted to be tolerated by multiple functional prediction tools.

Clinical Genetics DNA and cytogenetics Diagnostics Lab, Erasmus MC, Erasmus Medical Center
Classification: Likely benign for Arrhythmogenic right ventricular dysplasia 9. Last evaluated: 2017-05-31. Review status: criteria provided, single submitter. Criteria: ACGS Guidelines, 2013. Collection method: clinical testing. Allele origin: germline. Affected: yes. Study: VKGL Data-share Consensus.

Illumina Laboratory Services, Illumina
Classification: Uncertain significance for Arrhythmogenic right ventricular dysplasia 9. Last evaluated: 2017-04-27. Review status: criteria provided, single submitter. Criteria: ICSL Variant Classification Criteria 13 December 2019. Collection method: clinical testing. Allele origin: germline.
Comment: This variant was observed as part of a predisposition screen in an ostensibly healthy population. A literature search was performed for the gene, cDNA change, and amino acid change (where applicable). Publications were found based on this search. However, the evidence from the literature, in combination with allele frequency data from public databases where available, was not sufficient to rule this variant in or out of causing disease. Therefore, this variant is classified as a variant of unknown significance.

Laboratory for Molecular Medicine, Mass General Brigham Personalized Medicine
Classification: Likely benign. Last evaluated: 2015-07-01. Review status: criteria provided, single submitter. Criteria: LMM Criteria. Collection method: clinical testing. Allele origin: germline. Observed: 9 variant alleles.
Comment: p.Ser169Gly in exon 3 of PKP2: This variant has been reported in 1 athlete with features of ARVC and at least 1 individual with DCM (La Gerche 2010, Elliott 201 0), as well as in 3 individuals tested by our laboratory with cardiomyopathy and /or conduction system disease. However, this variant is not expected to have cli nical significance due to a lack of conservation across species, including mamma ls. Of note, 8 mammals have a glycine (Gly) at this position despite high nearby amino acid conservation. This variant has also been detected in 0.2% (39/16494) of South Asian chromosomes by the Exome Aggregation Consortium (ExAC; dbSNP rs139139859). Although a modifying role cannot be e xcluded, the presence of the variant amino acid in multiple mammals and its freq uency in the general population all support that it is likely benign.

Genomic Diagnostic Laboratory, Division of Genomic Diagnostics, Children's Hospital of Philadelphia
Classification: Uncertain significance for Arrhythmogenic right ventricular cardiomyopathy. Last evaluated: 2015-02-13. Review status: criteria provided, single submitter. Criteria: DGD Variant Analysis Guidelines. Collection method: clinical testing. Allele origin: unknown.

Stanford Center for Inherited Cardiovascular Disease, Stanford University
Classification: Uncertain significance. Last evaluated: 2014-10-16. Review status: criteria provided, single submitter. Criteria: ACMG Guidelines, 2015. Collection method: provider interpretation. Allele origin: germline.

NM_001005242.3(PKP2):c.505A>G (p.Ser169Gly)

Gene: PKP2 (plakophilin 2; minus strand). Cytogenetic location: 12p11.21.
Variant type: single nucleotide variant.
Coding change: c.505A>G on transcript NM_001005242.3 (MANE Select); coding-DNA position 505, A replaced by G.
Protein change: p.Ser169Gly; replaces serine 169 with glycine.
Molecular consequence: missense variant.
Genome position (GRCh38, 1-based): chr12:32,878,375, T>C on the plus strand (A>G on the coding strand, the complement: PKP2 is on the minus strand). VCF-style: chr12-32878375-T-C. GRCh37 (hg19) VCF-style: chr12-33031309-T-C.
Other names: p.S169G:AGC>GGC; c.505A>G, p.Ser169Gly (NM_004572.4); short protein forms S169G.
Identifiers: ClinVar variation 45081 (VCV000045081.59), dbSNP rs139139859, ClinGen allele CA010682.